The following is an entry in ClinVar:

ClinVar aggregate classification (germline): Likely benign. Review status: criteria provided, multiple submitters, no conflicts (2 of 4 stars). 2 submissions from 2 submitters: Likely benign (2). Last evaluated 2025-11-03.

Conditions:
Hereditary leiomyomatosis and renal cell cancer. Also called: MULTIPLE CUTANEOUS AND UTERINE LEIOMYOMATA 1, WITH OR WITHOUT RENAL CELL CARCINOMA; LEIOMYOMA, MULTIPLE CUTANEOUS; Familial leiomyomatosis; FH tumor predisposition syndrome; Reed syndrome; Multiple cutaneous and uterine leiomyomatosis. Identifiers: Orphanet 523, MedGen C1708350, MONDO:0007888, OMIM 150800, HP:0007437. Disease mechanism: loss of function.

Allele frequency attached by ClinVar (database versions not stated): gnomAD exomes 0.00001.
gnomAD v4.1: 12 of 1,611,502 alleles (0.00074%); highest among the groups gnomAD compares: Non-Finnish European, 0.001%; no homozygotes.

Submissions (2):

Labcorp Genetics (formerly Invitae), Labcorp
Classification: Likely benign. Last evaluated: 2025-11-03. Review status: criteria provided, single submitter. Criteria: Invitae Variant Classification Sherloc (09022015). Collection method: clinical testing. Allele origin: germline.

Myriad Genetics, Inc.
Classification: Likely benign for Hereditary leiomyomatosis and renal cell cancer. Last evaluated: 2024-10-18. Review status: criteria provided, single submitter. Criteria: Myriad Autosomal Dominant, Autosomal Recessive and X-Linked Classification Criteria (2023). Collection method: clinical testing. Allele origin: unknown.
Comment: This variant is considered likely benign. This variant is intronic and is not expected to impact mRNA splicing.

NM_000143.4(FH):c.556-6C>T

Gene: FH (fumarate hydratase; minus strand). Cytogenetic location: 1q43.
Variant type: single nucleotide variant.
Coding change: c.556-6C>T on transcript NM_000143.4 (MANE Select); 6 bases into the intron before coding-DNA position 556, C replaced by T.
Molecular consequence: intron variant.
Genome position (GRCh38, 1-based): chr1:241,508,791, G>A on the plus strand (C>T on the coding strand, the complement: FH is on the minus strand). VCF-style: chr1-241508791-G-A. GRCh37 (hg19) VCF-style: chr1-241672091-G-A.
Identifiers: ClinVar variation 1147506 (VCV001147506.10), dbSNP rs1278315587, ClinGen allele CA733640579.